The following is an entry in ClinVar:

NM_001253852.3(AP4B1):c.576_577delinsTA (p.Val193Ile)

Gene: AP4B1 (adaptor related protein complex 4 subunit beta 1; minus strand). Cytogenetic location: 1p13.2.
Variant type: Indel.
Coding change: c.576_577delinsTA on transcript NM_001253852.3 (MANE Select); coding-DNA positions 576 to 577, CG replaced by TA.
Protein change: p.Val193Ile; replaces valine 193 with isoleucine.
Molecular consequence: missense variant. On other transcripts: intron variant (1).
Genome position (GRCh38, 1-based): chr1:113,901,276-113,901,277, CG replaced by TA on the plus strand (CG replaced by TA on the coding strand, the reverse complement: AP4B1 is on the minus strand). VCF-style: chr1-113901276-CG-TA. GRCh37 (hg19) VCF-style: chr1-114443898-CG-TA.
Other names: c.279_280delinsTA, p.Val94Ile (NM_001253853.3); c.576_577delinsTA, p.Val193Ile (NM_006594.5); c.114-877_114-876delinsTA (NM_001308312.2); short protein forms V94I, V193I.
Identifiers: ClinVar variation 539526 (VCV000539526.12), dbSNP rs1553259191, ClinGen allele CA658795505.
Genomic context (GRCh38, chr1:113,901,276, plus strand): 5'-GAGTGCTGAGGCATCCAAACCGATTTAAGAGATGGTGAGCAATGGGCTTATTGATGACAA[CG>TA]CCTCCTTCCTGTTTCAGAATTTCCTCTAGAGACCTCAAGCAGTTCACAACTACAATTGGA-3'
Protein context (NP_001240781.1, residues 183-203): LEEILKQEGG[Val193Ile]VINKPIAHHL

ClinVar aggregate classification (germline): Conflicting classifications of pathogenicity. Review status: criteria provided, conflicting classifications (1 of 4 stars). 4 submissions from 4 submitters: Likely pathogenic (1); Uncertain significance (3). Last evaluated 2025-10-25.

Conditions:
Hereditary spastic paraplegia 47. Also called: adaptor protein 4 (AP-4) deficiency syndrome; CEREBRAL PALSY, SPASTIC QUADRIPLEGIC, 5; Spastic paraplegia 47, autosomal recessive. Identifiers: Orphanet 280763, MedGen C3279738, MONDO:0013551, OMIM 614066.

Submissions (4):

GeneDx
Classification: Likely pathogenic. Last evaluated: 2025-10-25. Review status: criteria provided, single submitter. Criteria: GeneDx Variant Classification Process June 2021. Collection method: clinical testing. Allele origin: germline. Affected: yes.
Comment: Not observed at significant frequency in large population cohorts (gnomAD); In silico analysis supports a deleterious effect on splicing; In silico analysis suggests that this variant does not alter protein structure/function; Has not been previously published as pathogenic or benign to our knowledge

Labcorp Genetics (formerly Invitae), Labcorp
Classification: Uncertain significance for Hereditary spastic paraplegia 47. Last evaluated: 2023-06-30. Review status: criteria provided, single submitter. Criteria: Invitae Variant Classification Sherloc (09022015). Collection method: clinical testing. Allele origin: germline.
Comment: In summary, the available evidence is currently insufficient to determine the role of this variant in disease. Therefore, it has been classified as a Variant of Uncertain Significance. Algorithms developed to predict the effect of missense changes on protein structure and function output the following: SIFT: "Not Available"; PolyPhen-2: "Not Available"; Align-GVGD: "Not Available". The isoleucine amino acid residue is found in multiple mammalian species, which suggests that this missense change does not adversely affect protein function. ClinVar contains an entry for this variant (Variation ID: 539526). This missense change has been observed in individual(s) with hereditary spastic paraplegia 47 (PMID: 25693842, 27625858). Information on the frequency of this variant in the gnomAD database is not available, as this variant may be reported differently in the database. This sequence change replaces valine, which is neutral and non-polar, with isoleucine, which is neutral and non-polar, at codon 193 of the AP4B1 protein (p.Val193Ile).

Genome-Nilou Lab
Classification: Uncertain significance for Hereditary spastic paraplegia 47. Last evaluated: 2023-04-11. Review status: criteria provided, single submitter. Criteria: ACMG Guidelines, 2015. Collection method: clinical testing. Allele origin: germline. Affected: no.

Fulgent Genetics
Classification: Uncertain significance for Hereditary spastic paraplegia 47. Last evaluated: 2018-10-31. Review status: criteria provided, single submitter. Criteria: ACMG Guidelines, 2015. Collection method: clinical testing. Allele origin: unknown.

Literature cited by the submitters: PubMed 25693842 (cited by Labcorp Genetics (formerly Invitae), Labcorp); PubMed 27625858 (cited by Labcorp Genetics (formerly Invitae), Labcorp).